The following is an entry in ClinVar:

NM_004006.3(DMD):c.7200G>A (p.Lys2400=)

Gene: DMD (dystrophin; minus strand). Cytogenetic location: Xp21.1.
Variant type: single nucleotide variant.
Coding change: c.7200G>A on transcript NM_004006.3 (MANE Select); coding-DNA position 7200, G replaced by A.
Protein change: p.Lys2400=; no amino-acid change (lysine 2400 retained).
Molecular consequence: synonymous variant. On other transcripts: 5 prime UTR variant (5).
Genome position (GRCh38, 1-based): chrX:31,836,718, C>T on the plus strand (G>A on the coding strand, the complement: DMD is on the minus strand). VCF-style: chrX-31836718-C-T. GRCh37 (hg19) VCF-style: chrX-31854835-C-T.
Other names: c.7176G>A, p.Lys2392= (NM_000109.4); c.7188G>A, p.Lys2396= (NM_004009.3); c.6831G>A, p.Lys2277= (NM_004010.3); c.3177G>A, p.Lys1059= (NM_004011.4); c.3168G>A, p.Lys1056= (NM_004012.4); c.-181G>A (NM_004013.3, NM_004020.4, NM_004021.3 and 2 more transcripts).
Identifiers: ClinVar variation 1757669 (VCV001757669.10), dbSNP rs2531878639, ClinGen allele CA515860167.

ClinVar aggregate classification (germline): Uncertain significance. Review status: criteria provided, multiple submitters, no conflicts (2 of 4 stars). 3 submissions from 3 submitters: Uncertain significance (3). Last evaluated 2023-10-18.

Conditions:
Duchenne muscular dystrophy (DMD). Also called: MUSCULAR DYSTROPHY, PSEUDOHYPERTROPHIC PROGRESSIVE, DUCHENNE TYPE; Duchenne Muscular Dystrophy (DMD). Identifiers: Orphanet 98896, MedGen C0013264, MONDO:0010679, OMIM 310200.
Cardiovascular phenotype. Identifiers: MedGen CN230736.

Allele frequency attached by ClinVar (database versions not stated): gnomAD exomes below 0.00001.
gnomAD v4.1: 2 of 1,207,142 alleles (0.00017%); highest among the groups gnomAD compares: Non-Finnish European, 0.00022%; no homozygotes.

Submissions (3):

Labcorp Genetics (formerly Invitae), Labcorp
Classification: Uncertain significance for Duchenne muscular dystrophy. Last evaluated: 2023-10-18. Review status: criteria provided, single submitter. Criteria: Invitae Variant Classification Sherloc (09022015). Collection method: clinical testing. Allele origin: germline.
Comment: This sequence change affects codon 2400 of the DMD mRNA. It is a 'silent' change, meaning that it does not change the encoded amino acid sequence of the DMD protein. This variant also falls at the last nucleotide of exon 49, which is part of the consensus splice site for this exon. This variant also falls at the last nucleotide of exon 49, which is part of the consensus splice site for this exon. This variant is not present in population databases (gnomAD no frequency). This variant has not been reported in the literature in individuals affected with DMD-related conditions. ClinVar contains an entry for this variant (Variation ID: 1757669). Variants that disrupt the consensus splice site are a relatively common cause of aberrant splicing (PMID: 17576681, 9536098). Algorithms developed to predict the effect of sequence changes on RNA splicing suggest that this variant may disrupt the consensus splice site. In summary, the available evidence is currently insufficient to determine the role of this variant in disease. Therefore, it has been classified as a Variant of Uncertain Significance.

Revvity Omics, Revvity
Classification: Uncertain significance. Last evaluated: 2021-02-09. Review status: criteria provided, single submitter. Criteria: ACMG Guidelines, 2015. Collection method: clinical testing. Allele origin: germline.

Ambry Genetics
Classification: Uncertain significance for Cardiovascular phenotype. Last evaluated: 2020-09-01. Review status: criteria provided, single submitter. Criteria: Ambry Variant Classification Scheme 2023. Collection method: clinical testing. Allele origin: germline.
Comment: The c.7200G>A variant (also known as p.K2400K), located in coding exon 49 of the DMD gene, results from a G to A substitution at nucleotide position 7200. This nucleotide substitution does not change the lysine at codon 2400. However, this change occurs in the last base pair of coding exon 49, which makes it likely to have some effect on normal mRNA splicing. This variant was not reported in population-based cohorts in the Genome Aggregation Database (gnomAD). This nucleotide position is highly conserved in available vertebrate species. In silico splice site analysis predicts that this alteration will weaken the native splice donor site. Since supporting evidence is limited at this time, the clinical significance of this alteration remains unclear.

Literature cited by the submitters: PubMed 17576681 (cited by Labcorp Genetics (formerly Invitae), Labcorp); PubMed 9536098 (cited by Labcorp Genetics (formerly Invitae), Labcorp).